The following is an entry in ClinVar:

NM_004304.5(ALK):c.3979T>C (p.Tyr1327His)

Gene: ALK (ALK receptor tyrosine kinase; minus strand). Cytogenetic location: 2p23.2.
Variant type: single nucleotide variant.
Coding change: c.3979T>C on transcript NM_004304.5 (MANE Select); coding-DNA position 3979, T replaced by C.
Protein change: p.Tyr1327His; replaces tyrosine 1327 with histidine.
Molecular consequence: missense variant.
Genome position (GRCh38, 1-based): chr2:29,197,636, A>G on the plus strand (T>C on the coding strand, the complement: ALK is on the minus strand). VCF-style: chr2-29197636-A-G. GRCh37 (hg19) VCF-style: chr2-29420502-A-G.
Other names: c.775T>C, p.Tyr259His (NM_001353765.2); short protein forms Y1327H, Y259H.
Identifiers: ClinVar variation 4827114 (VCV004827114.1).

ClinVar aggregate classification (germline): Uncertain significance (1 of 4 stars; one submission).

Conditions:
Hereditary cancer-predisposing syndrome. Also called: Neoplastic Syndromes, Hereditary; Tumor predisposition; Hereditary Cancer Syndrome; Hereditary neoplastic syndrome. Identifiers: Orphanet 140162, MedGen C0027672, MeSH D009386, MONDO:0015356.

Submission:

Ambry Genetics
Classification: Uncertain significance for Hereditary cancer-predisposing syndrome. Last evaluated: 2026-03-10. Review status: criteria provided, single submitter. Criteria: Ambry Variant Classification Scheme 2023. Collection method: clinical testing. Allele origin: germline.
Comment: The p.Y1327H variant (also known as c.3979T>C), located in coding exon 27 of the ALK gene, results from a T to C substitution at nucleotide position 3979. The tyrosine at codon 1327 is replaced by histidine, an amino acid with similar properties. This amino acid position is conserved. In addition, the in silico prediction for this alteration is inconclusive. Based on the available evidence, the clinical significance of this variant remains unclear.